The following is an entry in ClinVar:

ClinVar aggregate classification (germline): Uncertain significance. Review status: criteria provided, multiple submitters, no conflicts (2 of 4 stars). 2 submissions from 2 submitters: Uncertain significance (2). Last evaluated 2025-05-25.

Conditions:
Hereditary cancer-predisposing syndrome. Also called: Hereditary Cancer Syndrome; Hereditary neoplastic syndrome; Neoplastic Syndromes, Hereditary; Tumor predisposition. Identifiers: Orphanet 140162, MedGen C0027672, MeSH D009386, MONDO:0015356.

Allele frequency attached by ClinVar (database versions not stated): gnomAD exomes below 0.00001; ExAC 0.00001; gnomAD 0.00001.
gnomAD v4.1: 3 of 1,612,176 alleles (0.00019%); highest among the groups gnomAD compares: Non-Finnish European, 0.00025%; no homozygotes.

Submissions (2):

Labcorp Genetics (formerly Invitae), Labcorp
Classification: Uncertain significance. Last evaluated: 2025-05-25. Review status: criteria provided, single submitter. Criteria: Invitae Variant Classification Sherloc (09022015). Collection method: clinical testing. Allele origin: germline.
Comment: This sequence change replaces lysine, which is basic and polar, with glutamic acid, which is acidic and polar, at codon 1540 of the POLE protein (p.Lys1540Glu). This variant is present in population databases (rs771331922, gnomAD 0.0009%). This variant has not been reported in the literature in individuals affected with POLE-related conditions. ClinVar contains an entry for this variant (Variation ID: 1741923). Invitae Evidence Modeling of protein sequence and biophysical properties (such as structural, functional, and spatial information, amino acid conservation, physicochemical variation, residue mobility, and thermodynamic stability) indicates that this missense variant is not expected to disrupt POLE protein function with a negative predictive value of 80%. In summary, the available evidence is currently insufficient to determine the role of this variant in disease. Therefore, it has been classified as a Variant of Uncertain Significance.

Ambry Genetics
Classification: Uncertain significance for Hereditary cancer-predisposing syndrome. Last evaluated: 2021-06-27. Review status: criteria provided, single submitter. Criteria: Ambry Variant Classification Scheme 2023. Collection method: clinical testing. Allele origin: germline.
Comment: The p.K1540E variant (also known as c.4618A>G), located in coding exon 36 of the POLE gene, results from an A to G substitution at nucleotide position 4618. The lysine at codon 1540 is replaced by glutamic acid, an amino acid with similar properties. This amino acid position is conserved. In addition, this alteration is predicted to be tolerated by in silico analysis. Since supporting evidence is limited at this time, the clinical significance of this alteration remains unclear.

NM_006231.4(POLE):c.4618A>G (p.Lys1540Glu)

Gene: POLE (DNA polymerase epsilon, catalytic subunit; minus strand). Cytogenetic location: 12q24.33.
Variant type: single nucleotide variant.
Coding change: c.4618A>G on transcript NM_006231.4 (MANE Select); coding-DNA position 4618, A replaced by G.
Protein change: p.Lys1540Glu; replaces lysine 1540 with glutamic acid.
Molecular consequence: missense variant.
Genome position (GRCh38, 1-based): chr12:132,642,930, T>C on the plus strand (A>G on the coding strand, the complement: POLE is on the minus strand). VCF-style: chr12-132642930-T-C. GRCh37 (hg19) VCF-style: chr12-133219516-T-C.
Other names: short protein forms K1540E.
Identifiers: ClinVar variation 1741923 (VCV001741923.3), dbSNP rs771331922, ClinGen allele CA6892763.